The following is an entry in ClinVar:

NM_017777.4(MKS1):c.*75C>T

Gene: MKS1 (MKS transition zone complex subunit 1; minus strand). Cytogenetic location: 17q22.
Variant type: single nucleotide variant.
Coding change: c.*75C>T on transcript NM_017777.4 (MANE Select); 75 bases downstream of the stop codon, C replaced by T.
Molecular consequence: 3 prime UTR variant. On other transcripts: missense variant (1).
Genome position (GRCh38, 1-based): chr17:58,206,004, G>A on the plus strand (C>T on the coding strand, the complement: MKS1 is on the minus strand). VCF-style: chr17-58206004-G-A. GRCh37 (hg19) VCF-style: chr17-56283365-G-A.
Other names: c.*75C>T (NM_001321268.2); c.1672C>T, p.Arg558Cys (NM_001321269.2); c.*167C>T (NM_001330397.2); short protein forms R558C.
Identifiers: ClinVar variation 324157 (VCV000324157.11), dbSNP rs35184412, ClinGen allele CA10650550.

ClinVar aggregate classification (germline): Benign/Likely benign. Review status: criteria provided, multiple submitters, no conflicts (2 of 4 stars). 6 submissions from 5 submitters: Benign (4); Likely benign (1). 1 of the submissions does not count toward it. Last evaluated 2024-11-28.

Conditions:
MKS1-related disorder. Also called: MKS1-related disorders; MKS1-related condition. Identifiers: MedGen CN239382.
Bardet-Biedl syndrome 13 (BBS13). Identifiers: Orphanet 110, MedGen C2673873, MONDO:0014441, OMIM 615990.
Meckel syndrome, type 1 (MKS1). Also called: MECKEL-GRUBER SYNDROME, TYPE 1. Identifiers: Orphanet 564, MedGen C3714506, MONDO:0009571, OMIM 249000.

Allele frequency attached by ClinVar (database versions not stated): TOPMed 0.08168; 1000 Genomes Project 30x 0.08245; gnomAD 0.08455; 1000 Genomes Project 0.08626.
gnomAD v4.1: 153,118 of 1,550,200 alleles (9.9%); highest among the groups gnomAD compares: South Asian, 11%; 7,827 homozygotes.

Submissions (6):

Blueprint Genetics
Classification: Likely benign. Last evaluated: 2024-11-28. Review status: criteria provided, single submitter. Criteria: ACMG Guidelines, 2015. Collection method: clinical testing. Allele origin: germline.

GeneDx
Classification: Benign. Last evaluated: 2018-06-16. Review status: criteria provided, single submitter. Criteria: GeneDx Variant Classification Process June 2021. Collection method: clinical testing. Allele origin: germline. Affected: yes.

Illumina Laboratory Services, Illumina
Classification: Benign for Meckel syndrome, type 1. Last evaluated: 2018-01-12. Review status: criteria provided, single submitter. Criteria: ICSL Variant Classification Criteria 13 December 2019. Collection method: clinical testing. Allele origin: germline.
Comment: This variant was observed in the ICSL laboratory as part of a predisposition screen in an ostensibly healthy population. It had not been previously curated by ICSL or reported in the Human Gene Mutation Database (HGMD: prior to June 1st, 2018), and was therefore a candidate for classification through an automated scoring system. Utilizing variant allele frequency, disease prevalence and penetrance estimates, and inheritance mode, an automated score was calculated to assess if this variant is too frequent to cause the disease. Based on the score and internal cut-off values, a variant classified as benign is not then subjected to further curation. The score for this variant resulted in a classification of benign for this disease.

Illumina Laboratory Services, Illumina
Classification: Benign for Bardet-Biedl syndrome 13. Last evaluated: 2018-01-12. Review status: criteria provided, single submitter. Criteria: ICSL Variant Classification Criteria 13 December 2019. Collection method: clinical testing. Allele origin: germline.
Comment: the same text as in the submission from Illumina Laboratory Services, Illumina above.

Breakthrough Genomics
Classification: Benign. Review status: criteria provided, single submitter. Criteria: ACMG Guidelines, 2015. Collection method: not provided. Allele origin: germline. Inheritance: Autosomal recessive inheritance. Affected: yes.

PreventionGenetics, part of Exact Sciences
Classification: Benign for MKS1-related condition. Last evaluated: 2023-03-20. Review status: no assertion criteria provided. Collection method: clinical testing. Allele origin: germline. Not counted in ClinVar's aggregate classification.
Comment: This variant is classified as benign based on ACMG/AMP sequence variant interpretation guidelines (Richards et al. 2015 PMID: 25741868, with internal and published modifications).